The following is an entry in ClinVar:

ClinVar aggregate classification (germline): Uncertain significance. Review status: criteria provided, multiple submitters, no conflicts (2 of 4 stars). 6 submissions from 6 submitters: Uncertain significance (5). 1 of the submissions does not count toward it. Last evaluated 2026-02-27.

Conditions:
Bardet-Biedl syndrome 12 (BBS12). Identifiers: Orphanet 110, MedGen C1859570, MONDO:0014440, OMIM 615989.
BBS12-related disorder. Also called: BBS12-related condition.
Bardet-Biedl syndrome (BBS). Identifiers: Orphanet 110, MedGen C0752166, MONDO:0015229.

Allele frequency attached by ClinVar (database versions not stated): ExAC 0.00001; gnomAD 0.00003 and 0.00004; gnomAD exomes 0.00003 and 0.00006; TOPMed 0.00005.
gnomAD v4.1: 96 of 1,613,450 alleles (0.0059%); highest among the groups gnomAD compares: Non-Finnish European, 0.0072%; 1 homozygote.

Submissions (6):

PreventionGenetics, part of Exact Sciences
Classification: Uncertain significance for BBS12-related condition. Last evaluated: 2026-02-27. Review status: criteria provided, single submitter. Criteria: ACMG Guidelines, 2015. Collection method: clinical testing. Allele origin: germline.
Comment: The BBS12 c.68C>T variant is predicted to result in the amino acid substitution p.Ala23Val. This variant has been reported in an individual with Bardet-Biedl syndrome (Table 2, Orlova et al. 2024. PubMed ID: 39092430). This variant is reported in 0.010% of alleles in individuals of East Asian descent in gnomAD. At this time, the clinical significance of this variant is uncertain due to the absence of conclusive functional and genetic evidence.

Fulgent Genetics
Classification: Uncertain significance for Bardet-Biedl syndrome 12. Last evaluated: 2024-04-14. Review status: criteria provided, single submitter. Criteria: ACMG Guidelines, 2015. Collection method: clinical testing. Allele origin: germline.

Labcorp Genetics (formerly Invitae), Labcorp
Classification: Uncertain significance for Bardet-Biedl syndrome. Last evaluated: 2021-08-20. Review status: criteria provided, single submitter. Criteria: Invitae Variant Classification Sherloc (09022015). Collection method: clinical testing. Allele origin: germline.
Comment: This sequence change replaces alanine with valine at codon 23 of the BBS12 protein (p.Ala23Val). The alanine residue is moderately conserved and there is a small physicochemical difference between alanine and valine. This variant is present in population databases (rs200240034, ExAC 0.002%). This variant has not been reported in the literature in individuals affected with BBS12-related conditions. Algorithms developed to predict the effect of missense changes on protein structure and function are either unavailable or do not agree on the potential impact of this missense change (SIFT: "Deleterious"; PolyPhen-2: "Possibly Damaging"; Align-GVGD: "Class C0"). In summary, the available evidence is currently insufficient to determine the role of this variant in disease. Therefore, it has been classified as a Variant of Uncertain Significance.

Genome-Nilou Lab
Classification: Uncertain significance for Bardet-Biedl syndrome 12. Last evaluated: 2021-07-14. Review status: criteria provided, single submitter. Criteria: ACMG Guidelines, 2015. Collection method: clinical testing. Allele origin: germline. Affected: no.

DNA-diagnostics Laboratory, Research Centre For Medical Genetics
Classification: Uncertain significance for Bardet-Biedl syndrome 12. Review status: criteria provided, single submitter. Criteria: ACMG Guidelines, 2015. Collection method: clinical testing. Allele origin: germline. Affected: yes.

Natera, Inc.
Classification: Uncertain significance for Bardet-Biedl syndrome type 12. Last evaluated: 2019-11-11. Review status: no assertion criteria provided. Collection method: clinical testing. Allele origin: germline. Not counted in ClinVar's aggregate classification.

NM_152618.3(BBS12):c.68C>T (p.Ala23Val)

Gene: BBS12 (Bardet-Biedl syndrome 12; plus strand). Cytogenetic location: 4q27.
Variant type: single nucleotide variant.
Coding change: c.68C>T on transcript NM_152618.3 (MANE Select); coding-DNA position 68, C replaced by T.
Protein change: p.Ala23Val; replaces alanine 23 with valine.
Molecular consequence: missense variant.
Genome position (GRCh38, 1-based): chr4:122,741,960, C>T. VCF-style: chr4-122741960-C-T. GRCh37 (hg19) VCF-style: chr4-123663115-C-T.
Other names: c.68C>T, p.Ala23Val (NM_001178007.2); short protein forms A23V.
Identifiers: ClinVar variation 947420 (VCV000947420.15), dbSNP rs200240034, ClinGen allele CA3069234.
Genomic context (GRCh38, chr4:122,741,960, plus strand): 5'-TGGCTTGCAGAGTCGTAAACAAAAGAAGACACATGGGACTTCAACAACTTTCATCATTCG[C>T]GGAAACAGGAAGAACTTTCCTAGGCCCACTAAAATCATCCAAATTTATTATAGATGAAGA-3'
Protein context (NP_689831.2, residues 13-33): HMGLQQLSSF[Ala23Val]ETGRTFLGPL